The following is an entry in ClinVar:

ClinVar aggregate classification (germline): Likely pathogenic (1 of 4 stars; one submission).

Conditions:
Glycine encephalopathy. Also called: Nonketotic hyperglycinemia; Non-ketotic hyperglycinemia. Identifiers: Orphanet 407, MedGen C0751748, MONDO:0011612, HP:0008288.

Submission:

Natera, Inc.
Classification: Likely pathogenic for Non-ketotic hyperglycinemia. Last evaluated: 2024-10-23. Review status: criteria provided, single submitter. Criteria: Natera Variant Classification Schema (03/2026). Collection method: clinical testing. Allele origin: germline.
Comment: The c.1261G>C variant in GLDC is a missense variant predicted to cause substitution of glycine to arginine at amino acid 421. This variant is rare in the general population with a frequency below the threshold expected for the associated phenotype(s). This variant has been observed in one or more individuals affected with the associated recessive disease, as either homozygous or compound heterozygous with a second variant (PMID: 34513771). This variant has been identified in one or more affected individuals with a phenotype highly consistent with the associated gene (PMID: 34513771). Computational prediction algorithms indicate this variant is likely to affect gene or protein function. Given the available evidence, this variant is classified as Likely Pathogenic.

Literature cited by the submitters: PubMed 34513771.

NM_000170.3(GLDC):c.1261G>C (p.Gly421Arg)

Gene: GLDC (glycine decarboxylase; minus strand). Cytogenetic location: 9p24.1.
Variant type: single nucleotide variant.
Coding change: c.1261G>C on transcript NM_000170.3 (MANE Select); coding-DNA position 1261, G replaced by C.
Protein change: p.Gly421Arg; replaces glycine 421 with arginine.
Molecular consequence: missense variant.
Genome position (GRCh38, 1-based): chr9:6,595,014, C>G on the plus strand (G>C on the coding strand, the complement: GLDC is on the minus strand). VCF-style: chr9-6595014-C-G. GRCh37 (hg19) VCF-style: chr9-6595014-C-G.
Other names: short protein forms G421R.
Identifiers: ClinVar variation 4817850 (VCV004817850.1).